The following is an entry in ClinVar:

NM_000138.5(FBN1):c.5627G>A (p.Cys1876Tyr)

Gene: FBN1 (fibrillin 1; minus strand). Cytogenetic location: 15q21.1.
Variant type: single nucleotide variant.
Coding change: c.5627G>A on transcript NM_000138.5 (MANE Select); coding-DNA position 5627, G replaced by A.
Protein change: p.Cys1876Tyr; replaces cysteine 1876 with tyrosine.
Molecular consequence: missense variant.
Genome position (GRCh38, 1-based): chr15:48,448,812, C>T on the plus strand (G>A on the coding strand, the complement: FBN1 is on the minus strand). VCF-style: chr15-48448812-C-T. GRCh37 (hg19) VCF-style: chr15-48741009-C-T.
Other names: short protein forms C1876Y.
Identifiers: ClinVar variation 406296 (VCV000406296.9), dbSNP rs112728248, ClinGen allele CA16614640.

ClinVar aggregate classification (germline): Pathogenic. Review status: criteria provided, multiple submitters, no conflicts (2 of 4 stars). 2 submissions from 2 submitters: Pathogenic (2). Last evaluated 2022-02-19.

Conditions:
Geleophysic dysplasia 2 (GPHYSD2). Identifiers: Orphanet 2623, MedGen C3280054, MONDO:0013612, OMIM 614185.
Ectopia lentis 1, isolated, autosomal dominant (ECTOL1). Identifiers: Orphanet 1885, MedGen C3541518, MONDO:0007514, OMIM 129600.
Weill-Marchesani syndrome 2, dominant. Also called: FBN1-Related Weill-Marchesani Syndrome; Weill-Marchesani Syndrome, Autosomal Dominant. Identifiers: Orphanet 2084, MedGen C1869115, MONDO:0012013, OMIM 608328.
Marfan syndrome (MFS). Also called: Marfan syndrome, classic; Marfan syndrome type 1; Marfan's syndrome; MARFAN SYNDROME, TYPE I; FBN1-Related Marfan Syndrome. Identifiers: Orphanet 284963, Orphanet 558, MedGen C0024796, MONDO:0007947, OMIM 154700.
MASS syndrome (OCTD). Also called: OVERLAP CONNECTIVE TISSUE DISEASE; MASS PHENOTYPE. Identifiers: MedGen C1858556, MONDO:0011431, OMIM 604308.
Stiff skin syndrome (SSKS). Identifiers: Orphanet 2833, MedGen C1861456, MONDO:0008492, OMIM 184900.
Progeroid and marfanoid aspect-lipodystrophy syndrome. Also called: MARFANOID-PROGEROID SYNDROME; MARFAN-PROGEROID-LIPODYSTROPHY SYNDROME; Marfan lipodystrophy syndrome; MARFANOID-PROGEROID-LIPODYSTROPHY SYNDROME. Identifiers: Orphanet 300382, MedGen C4310796, MONDO:0014831, OMIM 616914.
Acromicric dysplasia (ACMICD). Also called: Acromicric skeletal dysplasia. Identifiers: Orphanet 969, MedGen C0265287, MONDO:0007055, OMIM 102370.
Familial thoracic aortic aneurysm and aortic dissection (TAAD). Also called: Thoracic aortic aneurysms and dissections. Identifiers: Orphanet 91387, MedGen C4707243, MONDO:0019625.

Submissions (2):

Labcorp Genetics (formerly Invitae), Labcorp
Classification: Pathogenic for Marfan syndrome; Familial thoracic aortic aneurysm and aortic dissection. Last evaluated: 2022-02-19. Review status: criteria provided, single submitter. Criteria: Invitae Variant Classification Sherloc (09022015). Collection method: clinical testing. Allele origin: germline.
Comment: This sequence change replaces cysteine, which is neutral and slightly polar, with tyrosine, which is neutral and polar, at codon 1876 of the FBN1 protein (p.Cys1876Tyr). This variant is not present in population databases (gnomAD no frequency). This missense change has been observed in individual(s) with Marfan syndrome (PMID: 16222657, 19293843, 21895641). In at least one individual the variant was observed to be de novo. ClinVar contains an entry for this variant (Variation ID: 406296). Advanced modeling of protein sequence and biophysical properties (such as structural, functional, and spatial information, amino acid conservation, physicochemical variation, residue mobility, and thermodynamic stability) performed at Invitae indicates that this missense variant is expected to disrupt FBN1 protein function. This variant affects a cysteine residue in the EGF-like, TGFBP or hybrid motif domains of FBN1. Cysteine residues are believed to be involved in intramolecular disulfide bridges and have been shown to be important for FBN1 protein structure (PMID: 16905551, 19349279). In addition, missense substitutions affecting cysteine residues within these domains are significantly overrepresented among patients with Marfan syndrome (PMID: 16571647, 17701892). For these reasons, this variant has been classified as Pathogenic.

Juno Genomics, Hangzhou Juno Genomics, Inc
Classification: Pathogenic for Stiff skin syndrome; Weill-Marchesani syndrome 2, dominant; Acromicric dysplasia; Ectopia lentis 1, isolated, autosomal dominant; Geleophysic dysplasia 2; Progeroid and marfanoid aspect-lipodystrophy syndrome; Marfan syndrome; MASS syndrome. Review status: criteria provided, single submitter. Criteria: ACMG Guidelines, 2015. Collection method: clinical testing. Allele origin: germline. Affected: yes.
Comment: Absent from controls (or at extremely low frequency if recessive) in Genome Aggregation Database.;Missense variant in a gene that has a low rate of benign missense variation.;Multiple lines of computational evidence support a deleterious effect on the gene or gene product.;Located in a mutational hot spot and/or critical and well-established functional domain without benign variation.;The prevalence of the variant in affected individuals is significantly increased compared to the prevalence in controls.;Patient's phenotype or family history is highly specific for a disease with a single genetic etiology.

Literature cited by the submitters: PubMed 16222657 (cited by Labcorp Genetics (formerly Invitae), Labcorp); PubMed 19293843 (cited by Labcorp Genetics (formerly Invitae), Labcorp); PubMed 21895641 (cited by Labcorp Genetics (formerly Invitae), Labcorp); PubMed 16905551 (cited by Labcorp Genetics (formerly Invitae), Labcorp); PubMed 19349279 (cited by Labcorp Genetics (formerly Invitae), Labcorp); PubMed 16571647 (cited by Labcorp Genetics (formerly Invitae), Labcorp); PubMed 17701892 (cited by Labcorp Genetics (formerly Invitae), Labcorp).